The following is an entry in ClinVar:

NM_002381.5(MATN3):c.792G>A (p.Ala264=)

Genes: MATN3 (matrilin 3; minus strand), WDR35-DT (WDR35 divergent transcript; plus strand). Cytogenetic location: 2p24.1.
Variant type: single nucleotide variant.
Coding change: c.792G>A on transcript NM_002381.5 (MANE Select); coding-DNA position 792, G replaced by A.
Protein change: p.Ala264=; no amino-acid change (alanine 264 retained).
Molecular consequence: synonymous variant.
Genome position (GRCh38, 1-based): chr2:20,003,285, C>T on the plus strand (G>A on the coding strand, the complement: MATN3 is on the minus strand). VCF-style: chr2-20003285-C-T. GRCh37 (hg19) VCF-style: chr2-20203046-C-T.
Identifiers: ClinVar variation 196341 (VCV000196341.17), dbSNP rs201563567, ClinGen allele CA243258.

ClinVar aggregate classification (germline): Conflicting classifications of pathogenicity. Review status: criteria provided, conflicting classifications (1 of 4 stars). 4 submissions from 4 submitters: Uncertain significance (1); Benign (2); Likely benign (1). Last evaluated 2025-11-18.

Conditions:
Multiple epiphyseal dysplasia type 5 (EDM5). Also called: MATN3-Related Multiple Epiphyseal Dysplasia; Microepiphyseal dysplasia, bilateral hereditary. Identifiers: Orphanet 93311, MedGen C1846843, MONDO:0011765, OMIM 607078.

Allele frequency attached by ClinVar (database versions not stated): ESP Exome Variant Server 0.00008; gnomAD exomes 0.00012 and 0.00021; ExAC 0.00016; 1000 Genomes Project 0.00020; 1000 Genomes Project 30x 0.00031; gnomAD 0.00035 and 0.00037; TOPMed 0.00040.

Submissions (4):

Labcorp Genetics (formerly Invitae), Labcorp
Classification: Benign. Last evaluated: 2025-11-18. Review status: criteria provided, single submitter. Criteria: Invitae Variant Classification Sherloc (09022015). Collection method: clinical testing. Allele origin: germline.

Blueprint Genetics
Classification: Likely benign. Last evaluated: 2023-04-04. Review status: criteria provided, single submitter. Criteria: ACMG Guidelines, 2015. Collection method: clinical testing. Allele origin: germline.

Illumina Laboratory Services, Illumina
Classification: Benign for Multiple epiphyseal dysplasia type 5. Last evaluated: 2017-08-03. Review status: criteria provided, single submitter. Criteria: ICSL Variant Classification Criteria 13 December 2019. Collection method: clinical testing. Allele origin: germline.
Comment: This variant was observed as part of a predisposition screen in an ostensibly healthy population. A literature search was performed for the gene, cDNA change, and amino acid change (where applicable). No publications were found based on this search. Allele frequency data from public databases was too high to be consistent with this variant causing disease. Therefore, this variant is classified as benign.

Eurofins Ntd Llc (ga)
Classification: Uncertain significance. Last evaluated: 2015-01-06. Review status: criteria provided, single submitter. Criteria: EGL Classification Definitions 2015. Collection method: clinical testing. Allele origin: germline. Observed: 1 variant allele, 1 heterozygote.